The following is an entry in ClinVar:

ClinVar aggregate classification (germline): Uncertain significance (1 of 4 stars; one submission).

Conditions:
Inborn genetic diseases. Identifiers: MedGen C0950123, MeSH D030342.

Allele frequency attached by ClinVar (database versions not stated): gnomAD exomes below 0.00001; TOPMed below 0.00001; gnomAD 0.00001.
gnomAD v4.1: 3 of 1,612,820 alleles (0.00019%); highest among the groups gnomAD compares: Middle Eastern, 0.033%; no homozygotes.

Submission:

Ambry Genetics
Classification: Uncertain significance for Inborn genetic diseases. Last evaluated: 2024-05-31. Review status: criteria provided, single submitter. Criteria: Ambry Variant Classification Scheme 2023. Collection method: clinical testing. Allele origin: germline.
Comment: The p.C622Y variant (also known as c.1865G>A), located in coding exon 8 of the ATR gene, results from a G to A substitution at nucleotide position 1865. The cysteine at codon 622 is replaced by tyrosine, an amino acid with highly dissimilar properties. This amino acid position is conserved. In addition, this alteration is predicted to be tolerated by in silico analysis. Since supporting evidence is limited at this time, the clinical significance of this alteration remains unclear.

NM_001184.4(ATR):c.1865G>A (p.Cys622Tyr)

Gene: ATR (ATR checkpoint kinase; minus strand). Cytogenetic location: 3q23.
Variant type: single nucleotide variant.
Coding change: c.1865G>A on transcript NM_001184.4 (MANE Select); coding-DNA position 1865, G replaced by A.
Protein change: p.Cys622Tyr; replaces cysteine 622 with tyrosine.
Molecular consequence: missense variant.
Genome position (GRCh38, 1-based): chr3:142,558,644, C>T on the plus strand (G>A on the coding strand, the complement: ATR is on the minus strand). VCF-style: chr3-142558644-C-T. GRCh37 (hg19) VCF-style: chr3-142277486-C-T.
Other names: c.1673G>A, p.Cys558Tyr (NM_001354579.2); short protein forms C558Y, C622Y.
Identifiers: ClinVar variation 1781573 (VCV001781573.3), dbSNP rs1294444658, ClinGen allele CA354820786.
Genomic context (GRCh38, chr3:142,558,644, plus strand): 5'-AAATAAAACAAACCACACACACATTCTTGTGAGCACTTACAATAGCTATCTGAAATCCTA[C>T]AGCTTAATGTTAGAAGATTAGCGGCAAATGTGGTCAACTTTAAACAGCCATCATCAGAAT-3'
Protein context (NP_001175.2, residues 612-632): TFAANLLTLS[Cys622Tyr]RISDSYSPQA